The following is an entry in ClinVar:

ClinVar aggregate classification (germline): Uncertain significance (1 of 4 stars; one submission).

gnomAD v4.1: 3 of 1,601,418 alleles (0.00019%); highest among the groups gnomAD compares: Non-Finnish European, 0.00025%; no homozygotes.

Submission:

GeneDx
Classification: Uncertain significance. Last evaluated: 2024-04-16. Review status: criteria provided, single submitter. Criteria: GeneDx Variant Classification Process June 2021. Collection method: clinical testing. Allele origin: germline. Affected: yes.
Comment: Not observed at significant frequency in large population cohorts (gnomAD); In silico analysis indicates that this missense variant does not alter protein structure/function; Has not been previously published as pathogenic or benign to our knowledge

NM_015103.3(PLXND1):c.614G>A (p.Ser205Asn)

Gene: PLXND1 (plexin D1; minus strand). Cytogenetic location: 3q22.1.
Variant type: single nucleotide variant.
Coding change: c.614G>A on transcript NM_015103.3 (MANE Select); coding-DNA position 614, G replaced by A.
Protein change: p.Ser205Asn; replaces serine 205 with asparagine.
Molecular consequence: missense variant.
Genome position (GRCh38, 1-based): chr3:129,606,026, C>T on the plus strand (G>A on the coding strand, the complement: PLXND1 is on the minus strand). VCF-style: chr3-129606026-C-T. GRCh37 (hg19) VCF-style: chr3-129324869-C-T.
Other names: short protein forms S205N.
Identifiers: ClinVar variation 3372562 (VCV003372562.1).
Genomic context (GRCh38, chr3:129,606,026, plus strand): 5'-CGGTTGCGCGGGAAGAAGGAGCTGCCGTAACCGGTGTACGTGGCGCCCACGAGCAGGCGG[C>T]TGCCCCCCGCGCCCGCGGCGGGAGGCAGAACTAGCCCCACGGTGGACGCGTTCGGGTGGT-3'
Protein context (NP_055918.3, residues 195-215): VLPPAAGAGG[Ser205Asn]RLLVGATYTG